The following is an entry in ClinVar:

NM_201384.3(PLEC):c.7181G>A (p.Arg2394Gln)

Gene: PLEC (plectin; minus strand). Cytogenetic location: 8q24.3.
Variant type: single nucleotide variant.
Coding change: c.7181G>A on transcript NM_201384.3 (MANE Select); coding-DNA position 7181, G replaced by A.
Protein change: p.Arg2394Gln; replaces arginine 2394 with glutamine.
Molecular consequence: missense variant.
Genome position (GRCh38, 1-based): chr8:143,922,748, C>T on the plus strand (G>A on the coding strand, the complement: PLEC is on the minus strand). VCF-style: chr8-143922748-C-T. GRCh37 (hg19) VCF-style: chr8-144996916-C-T.
Other names: c.7262G>A, p.Arg2421Gln (NM_000445.5); c.7139G>A, p.Arg2380Gln (NM_201378.4); c.7115G>A, p.Arg2372Gln (NM_201379.3); c.7592G>A, p.Arg2531Gln (NM_201380.4); c.7085G>A, p.Arg2362Gln (NM_201381.3); c.7181G>A, p.Arg2394Gln (NM_201382.4); c.7193G>A, p.Arg2398Gln (NM_201383.3); short protein forms R2362Q, R2398Q, R2380Q, R2372Q, R2394Q, R2421Q, R2531Q.
Identifiers: ClinVar variation 1424520 (VCV001424520.8), dbSNP rs782412906, ClinGen allele CA4925737.
Genomic context (GRCh38, chr8:143,922,748, plus strand): 5'-CCGATCTCCTCCGCCTGCTTCCGGAAGCGCTGGGCGTCCTCCTCAGCGCGGGCCTGGGCT[C>T]GGCTCATCTCGGCCACACGCAGCTTGAGGCGCTCAGCCTCAGCGCTCATCTCCAGCTGCC-3'
Protein context (NP_958786.1, residues 2384-2404): RLKLRVAEMS[Arg2394Gln]AQARAEEDAQ

ClinVar aggregate classification (germline): Uncertain significance (1 of 4 stars; one submission).

Conditions:
Epidermolysis bullosa simplex 5B, with muscular dystrophy (EBS5B). Also called: EPIDERMOLYSIS BULLOSA SIMPLEX AND LIMB-GIRDLE MUSCULAR DYSTROPHY; Epidermolysis bullosa simplex with muscular dystrophy. Identifiers: Orphanet 257, MedGen C2931072, MONDO:0009181, OMIM 226670.
Epidermolysis bullosa simplex, Ogna type (EBS5A). Also called: Pidermolysis bullosa simplex 5A, Ogna type; EPIDERMOLYSIS BULLOSA SIMPLEX 5A, OGNA TYPE. Identifiers: Orphanet 79401, MedGen C0432317, MONDO:0007555, OMIM 131950.
Epidermolysis bullosa simplex with nail dystrophy (EBS5D). Identifiers: MedGen C4225309, MONDO:0014661, OMIM 616487.
Epidermolysis bullosa simplex 5C, with pyloric atresia (EBS5C). Also called: PLEC1-Related Epidermolysis Bullosa with Pyloric Atresia; Epidermolysis bullosa simplex with pyloric atresia; PLEC-Related Epidermolysis Bullosa with Pyloric Atresia. Identifiers: Orphanet 158684, MedGen C2677349, MONDO:0012807, OMIM 612138.
Autosomal recessive limb-girdle muscular dystrophy type 2Q (LGMDR17). Also called: MUSCULAR DYSTROPHY, LIMB-GIRDLE, AUTOSOMAL RECESSIVE 17. Identifiers: Orphanet 254361, MedGen C3150989, MONDO:0013390, OMIM 613723.

Allele frequency attached by ClinVar (database versions not stated): ExAC 0.00001; gnomAD 0.00001 and 0.00003; gnomAD exomes 0.00001 and 0.00002; TOPMed 0.00001.

Submission:

Labcorp Genetics (formerly Invitae), Labcorp
Classification: Uncertain significance for Autosomal recessive limb-girdle muscular dystrophy type 2Q; Epidermolysis bullosa simplex, Ogna type; Epidermolysis bullosa simplex with nail dystrophy; Epidermolysis bullosa simplex 5C, with pyloric atresia; Epidermolysis bullosa simplex 5B, with muscular dystrophy. Last evaluated: 2025-07-16. Review status: criteria provided, single submitter. Criteria: Invitae Variant Classification Sherloc (09022015). Collection method: clinical testing. Allele origin: germline.
Comment: This sequence change replaces arginine, which is basic and polar, with glutamine, which is neutral and polar, at codon 2421 of the PLEC protein (p.Arg2421Gln). This variant is present in population databases (rs782412906, gnomAD 0.005%). This variant has not been reported in the literature in individuals affected with PLEC-related conditions. ClinVar contains an entry for this variant (Variation ID: 1424520). Invitae Evidence Modeling of protein sequence and biophysical properties (such as structural, functional, and spatial information, amino acid conservation, physicochemical variation, residue mobility, and thermodynamic stability) indicates that this missense variant is not expected to disrupt PLEC protein function with a negative predictive value of 80%. In summary, the available evidence is currently insufficient to determine the role of this variant in disease. Therefore, it has been classified as a Variant of Uncertain Significance.